The following is an entry in ClinVar:

ClinVar aggregate classification (germline): Uncertain significance (1 of 4 stars; one submission).

Submission:

GeneDx
Classification: Uncertain significance. Last evaluated: 2025-07-08. Review status: criteria provided, single submitter. Criteria: GeneDx Variant Classification Process June 2021. Collection method: clinical testing. Allele origin: germline.
Comment: Not observed at significant frequency in large population cohorts (gnomAD); In silico analysis suggests that this missense variant does not alter protein structure/function; Has not been previously published as pathogenic or benign to our knowledge

NM_001378418.1(TCF20):c.4048T>G (p.Leu1350Val)

Gene: TCF20 (transcription factor 20; minus strand). Cytogenetic location: 22q13.2.
Variant type: single nucleotide variant.
Coding change: c.4048T>G on transcript NM_001378418.1 (MANE Select); coding-DNA position 4048, T replaced by G.
Protein change: p.Leu1350Val; replaces leucine 1350 with valine.
Molecular consequence: missense variant.
Genome position (GRCh38, 1-based): chr22:42,211,258, A>C on the plus strand (T>G on the coding strand, the complement: TCF20 is on the minus strand). VCF-style: chr22-42211258-A-C. GRCh37 (hg19) VCF-style: chr22-42607264-A-C.
Other names: c.4048T>G, p.Leu1350Val (NM_005650.4, NM_181492.3); short protein forms L1350V.
Identifiers: ClinVar variation 3360796 (VCV003360796.2).